The following is an entry in ClinVar:

NM_000018.4(ACADVL):c.221C>T (p.Ala74Val)

Gene: ACADVL (acyl-CoA dehydrogenase very long chain; plus strand). Cytogenetic location: 17p13.1.
Variant type: single nucleotide variant.
Coding change: c.221C>T on transcript NM_000018.4 (MANE Select); coding-DNA position 221, C replaced by T.
Protein change: p.Ala74Val; replaces alanine 74 with valine.
Molecular consequence: missense variant. On other transcripts: 5 prime UTR variant (1).
Genome position (GRCh38, 1-based): chr17:7,220,620, C>T. VCF-style: chr17-7220620-C-T. GRCh37 (hg19) VCF-style: chr17-7123939-C-T.
Other names: c.155C>T, p.Ala52Val (NM_001033859.3); c.290C>T, p.Ala97Val (NM_001270447.2); c.-8C>T (NM_001270448.2); short protein forms A97V, A74V, A52V.
Identifiers: ClinVar variation 1425158 (VCV001425158.5), dbSNP rs1470149388, ClinGen allele CA397722362.

ClinVar aggregate classification (germline): Uncertain significance (1 of 4 stars; one submission).

Conditions:
Very long chain acyl-CoA dehydrogenase deficiency (ACADVLD). Also called: VLCAD Deficiency; Very Long-Chain Acyl-Coenzyme A Dehydrogenase Deficiency. Identifiers: Orphanet 26793, MedGen C3887523, MONDO:0008723, OMIM 201475.

Submission:

Labcorp Genetics (formerly Invitae), Labcorp
Classification: Uncertain significance for Very long chain acyl-CoA dehydrogenase deficiency. Last evaluated: 2022-04-06. Review status: criteria provided, single submitter. Criteria: Invitae Variant Classification Sherloc (09022015). Collection method: clinical testing. Allele origin: germline.
Comment: This sequence change replaces alanine, which is neutral and non-polar, with valine, which is neutral and non-polar, at codon 74 of the ACADVL protein (p.Ala74Val). This variant is not present in population databases (gnomAD no frequency). This variant has not been reported in the literature in individuals affected with ACADVL-related conditions. Algorithms developed to predict the effect of missense changes on protein structure and function (SIFT, PolyPhen-2, Align-GVGD) all suggest that this variant is likely to be tolerated. In summary, the available evidence is currently insufficient to determine the role of this variant in disease. Therefore, it has been classified as a Variant of Uncertain Significance.